The following is an entry in ClinVar:

NM_001330574.2(ZNF711):c.-297A>T

Gene: ZNF711 (ZFX family zinc finger ZNF711; plus strand). Cytogenetic location: Xq21.1.
Variant type: single nucleotide variant.
Coding change: c.-297A>T on transcript NM_001330574.2 (MANE Select); 297 bases upstream of the start codon, A replaced by T.
Molecular consequence: 5 prime UTR variant. On other transcripts: intron variant (1).
Genome position (GRCh38, 1-based): chrX:85,246,011, A>T. VCF-style: chrX-85246011-A-T. GRCh37 (hg19) VCF-style: chrX-84501017-A-T.
Other names: c.-292A>T (NM_001375432.1, NM_001375437.1); c.-655A>T (NM_001375433.1, NM_001375435.1); c.-181A>T (NM_001375434.1); c.-297A>T (NM_001375436.1); c.-38A>T (NM_021998.5); c.-26-1536A>T (NM_001375431.1).
Identifiers: ClinVar variation 914804 (VCV000914804.4), dbSNP rs772828408, ClinGen allele CA332520989.

ClinVar aggregate classification (germline): Benign (1 of 4 stars; one submission).

Conditions:
Intellectual developmental disorder, X-linked 97. Also called: Intellectual disability, X-linked 97. Identifiers: Orphanet 777, MedGen C2749020, MONDO:0010430, OMIM 300803.

Allele frequency attached by ClinVar (database versions not stated): 1000 Genomes Project 30x 0.00166; gnomAD 0.00340 and 0.00370; 1000 Genomes Project 0.00132; TOPMed 0.00363.
gnomAD v4.1: 376 of 111,915 alleles (0.34%); highest among the groups gnomAD compares: African/African-American, 1.2%; 2 homozygotes.

Submission:

Illumina Laboratory Services, Illumina
Classification: Benign for Intellectual developmental disorder, X-linked 97. Last evaluated: 2018-01-13. Review status: criteria provided, single submitter. Criteria: ICSL Variant Classification Criteria 13 December 2019. Collection method: clinical testing. Allele origin: germline.
Comment: This variant was observed in the ICSL laboratory as part of a predisposition screen in an ostensibly healthy population. It had not been previously curated by ICSL or reported in the Human Gene Mutation Database (HGMD: prior to June 1st, 2018), and was therefore a candidate for classification through an automated scoring system. Utilizing variant allele frequency, disease prevalence and penetrance estimates, and inheritance mode, an automated score was calculated to assess if this variant is too frequent to cause the disease. Based on the score and internal cut-off values, a variant classified as benign is not then subjected to further curation. The score for this variant resulted in a classification of benign for this disease.